The following is an entry in ClinVar:

NM_001128425.2(MUTYH):c.39C>T (p.Ala13=)

Gene: MUTYH (mutY DNA glycosylase; minus strand). Cytogenetic location: 1p34.1.
Variant type: single nucleotide variant.
Coding change: c.39C>T on transcript NM_001128425.2 (MANE Plus Clinical); coding-DNA position 39, C replaced by T.
Protein change: p.Ala13=; no amino-acid change (alanine 13 retained).
Molecular consequence: synonymous variant. On other transcripts: 5 prime UTR variant (10), non-coding transcript variant (2).
Genome position (GRCh38, 1-based): chr1:45,334,509, G>A on the plus strand (C>T on the coding strand, the complement: MUTYH is on the minus strand). VCF-style: chr1-45334509-G-A. GRCh37 (hg19) VCF-style: chr1-45800181-G-A.
Other names: c.-4C>T (NM_001048171.2, NM_001048172.2, NM_001048173.2 and 3 more transcripts); c.39C>T, p.Ala13= (NM_001293190.2, NM_012222.3); c.-216C>T (NM_001293192.2, NM_001293196.2); c.-275C>T (NM_001350650.2); c.-211C>T (NM_001350651.2).
Identifiers: ClinVar variation 704887 (VCV000704887.14), dbSNP rs1570467350, ClinGen allele CA417702291.
Genomic context (GRCh38, chr1:45,334,509, plus strand): 5'-CTGGCTGGCTGCCTGCTTCCTGTGACCACTTCCCACGGCTGCTCGTGGCTTCCTCATGAT[G>A]GCCTGAAACAAAAAGACCCAGCCAAAGCAGTCAGTCACAATGAGGCCAAATTTTGAGGCC-3'
Protein context (NP_001121897.1, residues 3-23): PLVSRLSRLW[Ala13=]IMRKPRAAVG

ClinVar aggregate classification (germline): Likely benign. Review status: criteria provided, multiple submitters, no conflicts (2 of 4 stars). 3 submissions from 3 submitters: Likely benign (3). Last evaluated 2025-12-23.

Conditions:
Hereditary cancer-predisposing syndrome. Also called: Hereditary Cancer Syndrome; Neoplastic Syndromes, Hereditary; Tumor predisposition; Hereditary neoplastic syndrome. Identifiers: Orphanet 140162, MedGen C0027672, MeSH D009386, MONDO:0015356.
Familial adenomatous polyposis 2. Also called: MUTYH-associated polyposis; MUTYH-related attenuated familial adenomatous polyposis; Adenomas, multiple colorectal; MYH-associated polyposis; FAP type 2; COLORECTAL ADENOMATOUS POLYPOSIS, AUTOSOMAL RECESSIVE. Identifiers: Orphanet 220460, Orphanet 247798, MedGen C3272841, MONDO:0012041, OMIM 608456.

Allele frequency attached by ClinVar (database versions not stated): gnomAD exomes below 0.00001.
gnomAD v4.1: 2 of 1,614,002 alleles (0.00012%); highest among the groups gnomAD compares: Non-Finnish European, 0.00017%; no homozygotes.

Submissions (3):

Labcorp Genetics (formerly Invitae), Labcorp
Classification: Likely benign for Familial adenomatous polyposis 2. Last evaluated: 2025-12-23. Review status: criteria provided, single submitter. Criteria: Invitae Variant Classification Sherloc (09022015). Collection method: clinical testing. Allele origin: germline.

All of Us Research Program, National Institutes of Health
Classification: Likely benign for Familial adenomatous polyposis 2. Last evaluated: 2023-10-02. Review status: criteria provided, single submitter. Criteria: ACMG Guidelines, 2015. Collection method: clinical testing. Allele origin: germline. Inheritance: Autosomal recessive inheritance. Observed: 1 variant allele, 1 heterozygote.
Comment: This study involves interpretation of variants in research participants for the purpose of population health screening. Participant phenotype was not available at the time of variant classification. Additional details can be found in publication PMID: 35346344, PMCID: PMC8962531

Ambry Genetics
Classification: Likely benign for Hereditary cancer-predisposing syndrome. Last evaluated: 2022-02-24. Review status: criteria provided, single submitter. Criteria: Ambry Variant Classification Scheme 2023. Collection method: clinical testing. Allele origin: germline.

Literature cited by the submitters: PubMed 19531215 (cited by Ambry Genetics).